The following is an entry in ClinVar:

ClinVar aggregate classification (germline): Uncertain significance. Review status: criteria provided, multiple submitters, no conflicts (2 of 4 stars). 3 submissions from 3 submitters: Uncertain significance (3). Last evaluated 2026-08-31.

Conditions:
Hereditary cancer-predisposing syndrome. Also called: Neoplastic Syndromes, Hereditary; Hereditary Cancer Syndrome; Hereditary neoplastic syndrome; Tumor predisposition. Identifiers: Orphanet 140162, MedGen C0027672, MeSH D009386, MONDO:0015356.

Allele frequency attached by ClinVar (database versions not stated): gnomAD exomes below 0.00001; ExAC 0.00001.
gnomAD v4.1: 2 of 1,613,178 alleles (0.00012%); highest among the groups gnomAD compares: East Asian, 0.0022%; no homozygotes.

Submissions (3):

Ambry Genetics
Classification: Uncertain significance for Hereditary cancer-predisposing syndrome. Last evaluated: 2026-08-31. Review status: criteria provided, single submitter. Criteria: Ambry Variant Classification Scheme 2023. Collection method: clinical testing. Allele origin: germline.
Comment: The c.-2C>T variant is located in the 5' untranslated region (5&rsquo; UTR) of the ATM gene. This variant results from a C to T substitution 2 bases upstream from the first translated codon. This nucleotide position is not well conserved in available vertebrate species. Based on the available evidence, the clinical significance of this variant remains unclear.

GeneDx
Classification: Uncertain significance. Last evaluated: 2024-06-03. Review status: criteria provided, single submitter. Criteria: GeneDx Variant Classification Process June 2021. Collection method: clinical testing. Allele origin: germline. Affected: yes.
Comment: Not observed at significant frequency in large population cohorts (gnomAD); Has not been previously published as pathogenic or benign to our knowledge; Alters the Kozak sequence, which plays a major role in the initiation of translation

Color Diagnostics, LLC DBA Color Health
Classification: Uncertain significance for Hereditary cancer-predisposing syndrome. Last evaluated: 2018-10-28. Review status: criteria provided, single submitter. Criteria: ACMG Guidelines, 2015. Collection method: clinical testing. Allele origin: germline.

NM_000051.4(ATM):c.-2C>T

Gene: ATM (ATM serine/threonine kinase; plus strand). Cytogenetic location: 11q22.3.
Variant type: single nucleotide variant.
Coding change: c.-2C>T on transcript NM_000051.4 (MANE Select); 2 bases upstream of the start codon, C replaced by T.
Molecular consequence: 5 prime UTR variant.
Genome position (GRCh38, 1-based): chr11:108,227,623, C>T. VCF-style: chr11-108227623-C-T. GRCh37 (hg19) VCF-style: chr11-108098350-C-T.
Other names: c.-2C>T (NM_001351834.2, NM_001351835.2, NM_001351836.2).
Identifiers: ClinVar variation 631429 (VCV000631429.4), dbSNP rs755213267, ClinGen allele CA6264496.